The following is an entry in ClinVar:

ClinVar aggregate classification (germline): Likely pathogenic (1 of 4 stars; one submission).

Conditions:
Autosomal recessive limb-girdle muscular dystrophy type 2J (LGMDR10). Also called: Limb-girdle muscular dystrophy, type 2J; MUSCULAR DYSTROPHY, LIMB-GIRDLE, AUTOSOMAL RECESSIVE 10. Identifiers: Orphanet 140922, MedGen C1837342, MONDO:0012127, OMIM 608807.
Dilated cardiomyopathy 1G (CMD1G). Identifiers: Orphanet 154, MedGen C1858763, MONDO:0011400, OMIM 604145.

Submission:

Labcorp Genetics (formerly Invitae), Labcorp
Classification: Likely pathogenic for Dilated cardiomyopathy 1G; Autosomal recessive limb-girdle muscular dystrophy type 2J. Last evaluated: 2023-11-14. Review status: criteria provided, single submitter. Criteria: Invitae Variant Classification Sherloc (09022015). Collection method: clinical testing. Allele origin: unknown.
Comment: This variant results in the deletion of exons 26-47 and part of exon 25 of the TTN gene. It is expected to disrupt RNA splicing and likely results in a truncated or disrupted TTN protein. This variant has not been reported in the literature in individuals affected with TTN-related conditions. This variant disrupts the Z and I bands of TTN (PMID: 25589632). Truncating variants in this region have been reported in individuals affected with autosomal recessive centronuclear myopathy (PMID: 23975875). Truncating variants in this region have also been identified in individuals affected with autosomal dominant dilated cardiomyopathy and/or cardio-related conditions (PMID: 27869827, 32964742). In summary, the currently available evidence indicates that the variant is pathogenic, but additional data are needed to prove that conclusively. Therefore, this variant has been classified as Likely Pathogenic.

Literature cited by the submitters: PubMed 25589632; PubMed 23975875; PubMed 27869827; PubMed 32964742.

NC_000002.11:g.(?_179612393)_(179642433_?)del

Gene: TTN (titin; minus strand). Cytogenetic location: 2q31.2.
Variant type: Deletion.
Identifiers: ClinVar variation 3247302 (VCV003247302.1).